The following is an entry in ClinVar:

NM_012263.5(TTLL1):c.849C>T (p.Asp283=)

Gene: TTLL1 (TTL family tubulin polyglutamylase complex subunit L1; minus strand). Cytogenetic location: 22q13.2.
Variant type: single nucleotide variant.
Coding change: c.849C>T on transcript NM_012263.5 (MANE Select); coding-DNA position 849, C replaced by T.
Protein change: p.Asp283=; no amino-acid change (aspartic acid 283 retained).
Molecular consequence: synonymous variant. On other transcripts: non-coding transcript variant (1).
Genome position (GRCh38, 1-based): chr22:43,059,426, G>A on the plus strand (C>T on the coding strand, the complement: TTLL1 is on the minus strand). VCF-style: chr22-43059426-G-A. GRCh37 (hg19) VCF-style: chr22-43455432-G-A.
Identifiers: ClinVar variation 403578 (VCV000403578.5), dbSNP rs5759125, ClinGen allele CA10271807.

ClinVar aggregate classification (germline): Benign. Review status: criteria provided, multiple submitters, no conflicts (2 of 4 stars). 2 submissions from 2 submitters: Benign (2). Last evaluated 2016-03-29.

Allele frequency attached by ClinVar (database versions not stated): gnomAD exomes 0.14183 and 0.21820; ESP Exome Variant Server 0.21621; ExAC 0.21919; gnomAD 0.22633 and 0.23257; TOPMed 0.25816; 1000 Genomes Project 30x 0.39507; 1000 Genomes Project 0.39896.
gnomAD v4.1: 244,579 of 1,613,694 alleles (15%); highest among the groups gnomAD compares: East Asian, 67%; 31,593 homozygotes.

Submissions (2):

Laboratory for Molecular Medicine, Mass General Brigham Personalized Medicine
Classification: Benign. Last evaluated: 2016-03-29. Review status: criteria provided, single submitter. Criteria: LMM Criteria. Collection method: clinical testing. Allele origin: germline.
Comment: Variant identified in a genome or exome case(s) and assessed due to predicted null impact of the variant or pathogenic assertions in the literature or databases. Disclaimer: This variant has not undergone full assessment. The following are preliminary notes: Frequency

Breakthrough Genomics
Classification: Benign. Review status: criteria provided, single submitter. Criteria: ACMG Guidelines, 2015. Collection method: not provided. Allele origin: germline. Inheritance: Unknown mechanism. Affected: yes.